The following is an entry in ClinVar:

ClinVar aggregate classification (germline): Likely benign. Review status: criteria provided, multiple submitters, no conflicts (2 of 4 stars). 2 submissions from 2 submitters: Likely benign (2). Last evaluated 2026-09-11.

Conditions:
Colorectal cancer, hereditary nonpolyposis, type 7. Identifiers: Orphanet 144, MedGen C1858380, MONDO:0013725, OMIM 614385.

gnomAD v4.1: 1 of 1,613,944 alleles (0.000062%); no homozygotes.

Submissions (2):

Myriad Genetics, Inc.
Classification: Likely benign for Colorectal cancer, hereditary nonpolyposis, type 7. Last evaluated: 2026-09-11. Review status: criteria provided, single submitter. Criteria: Myriad Autosomal Dominant, Autosomal Recessive and X-Linked Classification Criteria (2023). Collection method: clinical testing. Allele origin: unknown.
Comment: This variant is considered likely benign. This variant is intronic and is not expected to impact mRNA splicing.

Labcorp Genetics (formerly Invitae), Labcorp
Classification: Likely benign for Colorectal cancer, hereditary nonpolyposis, type 7. Last evaluated: 2025-07-27. Review status: criteria provided, single submitter. Criteria: Invitae Variant Classification Sherloc (09022015). Collection method: clinical testing. Allele origin: germline.

NM_001040108.2(MLH3):c.4012-15G>A

Gene: MLH3 (mutL homolog 3; minus strand). Cytogenetic location: 14q24.3.
Variant type: single nucleotide variant.
Coding change: c.4012-15G>A on transcript NM_001040108.2 (MANE Select); 15 bases into the intron before coding-DNA position 4012, G replaced by A.
Molecular consequence: intron variant.
Genome position (GRCh38, 1-based): chr14:75,022,907, C>T on the plus strand (G>A on the coding strand, the complement: MLH3 is on the minus strand). VCF-style: chr14-75022907-C-T. GRCh37 (hg19) VCF-style: chr14-75489610-C-T.
Other names: c.3940-15G>A (NM_014381.3).
Identifiers: ClinVar variation 2149179 (VCV002149179.5), dbSNP rs371582071, ClinGen allele CA263633853.